The following is an entry in ClinVar:

ClinVar aggregate classification (germline): Uncertain significance (1 of 4 stars; one submission).

Allele frequency attached by ClinVar (database versions not stated): gnomAD exomes 0.00001; ExAC 0.00002.

Submission:

Labcorp Genetics (formerly Invitae), Labcorp
Classification: Uncertain significance. Last evaluated: 2021-08-09. Review status: criteria provided, single submitter. Criteria: Invitae Variant Classification Sherloc (09022015). Collection method: clinical testing. Allele origin: germline.
Comment: This sequence change replaces threonine with alanine at codon 5562 of the ADGRV1 protein (p.Thr5562Ala). The threonine residue is weakly conserved and there is a small physicochemical difference between threonine and alanine. This variant is present in population databases (rs767412744, ExAC 0.003%). This variant has not been reported in the literature in individuals affected with ADGRV1-related conditions. Algorithms developed to predict the effect of missense changes on protein structure and function output the following: SIFT: "Tolerated"; PolyPhen-2: "Possibly Damaging"; Align-GVGD: "Class C0". The alanine amino acid residue is found in multiple mammalian species, which suggests that this missense change does not adversely affect protein function. Algorithms developed to predict the effect of sequence changes on RNA splicing suggest that this variant may create or strengthen a splice site. In summary, the available evidence is currently insufficient to determine the role of this variant in disease. Therefore, it has been classified as a Variant of Uncertain Significance.

NM_032119.4(ADGRV1):c.16684A>G (p.Thr5562Ala)

Gene: ADGRV1 (adhesion G protein-coupled receptor V1; plus strand). Cytogenetic location: 5q14.3.
Variant type: single nucleotide variant.
Coding change: c.16684A>G on transcript NM_032119.4 (MANE Select); coding-DNA position 16684, A replaced by G.
Protein change: p.Thr5562Ala; replaces threonine 5562 with alanine.
Molecular consequence: missense variant. On other transcripts: non-coding transcript variant (1).
Genome position (GRCh38, 1-based): chr5:90,840,650, A>G. VCF-style: chr5-90840650-A-G. GRCh37 (hg19) VCF-style: chr5-90136467-A-G.
Other names: short protein forms T5562A.
Identifiers: ClinVar variation 1373649 (VCV001373649.3), dbSNP rs767412744, ClinGen allele CA3342217.